The following is an entry in ClinVar:

NM_001370658.1(BTD):c.640A>G (p.Thr214Ala)

Gene: BTD (biotinidase; plus strand). Cytogenetic location: 3p25.1.
Variant type: single nucleotide variant.
Coding change: c.640A>G on transcript NM_001370658.1 (MANE Select); coding-DNA position 640, A replaced by G.
Protein change: p.Thr214Ala; replaces threonine 214 with alanine.
Molecular consequence: missense variant. On other transcripts: intron variant (6).
Genome position (GRCh38, 1-based): chr3:15,644,556, A>G. VCF-style: chr3-15644556-A-G. GRCh37 (hg19) VCF-style: chr3-15686063-A-G.
Other names: c.640A>G, p.Thr214Ala (NM_001281723.4, NM_001281724.3, NM_001281725.3 and 18 more transcripts); c.399+2499A>G (NM_001370753.1, NM_001407400.1, NM_001407380.1 and 3 more transcripts); short protein forms T214A.
Identifiers: ClinVar variation 2848432 (VCV002848432.4), dbSNP rs2471511997, ClinGen allele CA351606862.

ClinVar aggregate classification (germline): Conflicting classifications of pathogenicity. Review status: criteria provided, conflicting classifications (1 of 4 stars). 2 submissions from 2 submitters: Likely pathogenic (1); Uncertain significance (1). Last evaluated 2025-10-28.

Conditions:
Biotinidase deficiency. Also called: Biotin deficiency; BTD deficiency; Late-onset biotin-responsive multiple carboxylase deficiency. Identifiers: Orphanet 79241, MedGen C0220754, MONDO:0009665, OMIM 253260.

Submissions (2):

Women's Health and Genetics/Laboratory Corporation of America, LabCorp
Classification: Uncertain significance. Last evaluated: 2025-10-28. Review status: criteria provided, single submitter. Criteria: LabCorp Variant Classification Summary - May 2015. Collection method: clinical testing. Allele origin: germline.
Comment: Variant summary: BTD c.640A>G (p.Thr214Ala) results in a non-conservative amino acid change in the encoded protein sequence. Algorithms developed to predict the effect of missense changes on protein structure and function all suggest that this variant is likely to be disruptive. The variant was absent in 251482 control chromosomes (gnomAD). The available data on variant occurrences in the general population are insufficient to allow any conclusion about variant significance. To our knowledge, no occurrence of c.640A>G in individuals affected with BTD-related conditions and no experimental evidence demonstrating its impact on protein function have been reported. A different variant affecting the same codon has been classified as pathogenic by our lab (c.641C>T, p.Thr214Ile), supporting the critical relevance of codon 214 to BTD protein function. ClinVar contains an entry for this variant (Variation ID: 2848432). Based on the evidence outlined above, the variant was classified as uncertain significance.

Labcorp Genetics (formerly Invitae), Labcorp
Classification: Likely pathogenic for Biotinidase deficiency. Last evaluated: 2023-09-08. Review status: criteria provided, single submitter. Criteria: Invitae Variant Classification Sherloc (09022015). Collection method: clinical testing. Allele origin: germline.
Comment: In summary, the currently available evidence indicates that the variant is pathogenic, but additional data are needed to prove that conclusively. Therefore, this variant has been classified as Likely Pathogenic. This sequence change replaces threonine, which is neutral and polar, with alanine, which is neutral and non-polar, at codon 234 of the BTD protein (p.Thr234Ala). This variant is not present in population databases (gnomAD no frequency). This variant has not been reported in the literature in individuals affected with BTD-related conditions. Advanced modeling of protein sequence and biophysical properties (such as structural, functional, and spatial information, amino acid conservation, physicochemical variation, residue mobility, and thermodynamic stability) performed at Invitae indicates that this missense variant is expected to disrupt BTD protein function. This variant disrupts the p.Thr234 amino acid residue in BTD. Other variant(s) that disrupt this residue have been determined to be pathogenic (PMID: 24797656, 27657684). This suggests that this residue is clinically significant, and that variants that disrupt this residue are likely to be disease-causing.

Literature cited by the submitters: PubMed 24797656 (cited by Labcorp Genetics (formerly Invitae), Labcorp); PubMed 27657684 (cited by Labcorp Genetics (formerly Invitae), Labcorp).